The following is an entry in ClinVar:

ClinVar aggregate classification (germline): Likely pathogenic (1 of 4 stars; one submission).

Conditions:
Aldosterone-producing adenoma with seizures and neurological abnormalities. Also called: Primary aldosteronism, seizures, and neurologic abnormalities. Identifiers: Orphanet 369929, MedGen C3809609, MONDO:0014200, OMIM 615474.

Submission:

Department of Endocrinology, Osmania Medical College
Classification: Likely pathogenic for Aldosterone-producing adenoma with seizures and neurological abnormalities. Last evaluated: 2025-05-05. Review status: criteria provided, single submitter. Criteria: ACMG Guidelines, 2015. Collection method: provider interpretation. Allele origin: inherited. Inheritance: Autosomal dominant inheritance. Affected: yes. Observed: 1 heterozygote.
Comment: This specific variant is a known gain-of-function mutation located in the highly conserved pore-forming region of the Cav1.3 channel. The patient’s clinical presentation of aldosterone excess and neuronal excitability is highly consistent with the established phenotype for Primary Aldosteronism with Seizures and Neurologic Abnormalities (PASNA) as described in literature (e.g., Hofer et al.). Following ACMG guidelines, the variant is classified as Likely Pathogenic/Pathogenic.

Literature cited by the submitters: PubMed 39246741.

NM_001128840.3(CACNA1D):c.2241C>G (p.Phe747Leu)

Gene: CACNA1D (calcium voltage-gated channel subunit alpha1 D; plus strand). Cytogenetic location: 3p21.1.
Variant type: single nucleotide variant.
Coding change: c.2241C>G on transcript NM_001128840.3 (MANE Select); coding-DNA position 2241, C replaced by G.
Protein change: p.Phe747Leu; replaces phenylalanine 747 with leucine.
Molecular consequence: missense variant.
Genome position (GRCh38, 1-based): chr3:53,730,461, C>G. VCF-style: chr3-53730461-C-G. GRCh37 (hg19) VCF-style: chr3-53764488-C-G.
Other names: c.2301C>G, p.Phe767Leu (NM_000720.4); c.2241C>G, p.Phe747Leu (NM_001128839.3); short protein forms F747L, F767L.
Identifiers: ClinVar variation 4686615 (VCV004686615.1).